The following is an entry in ClinVar:

ClinVar aggregate classification (germline): Uncertain significance. Review status: criteria provided, multiple submitters, no conflicts (2 of 4 stars). 2 submissions from 2 submitters: Uncertain significance (2). Last evaluated 2025-03-01.

Conditions:
Amyotrophic lateral sclerosis type 4 (ALS4). Also called: NEURONOPATHY, DISTAL HEREDITARY MOTOR, WITH PYRAMIDAL FEATURES; AMYOTROPHIC LATERAL SCLEROSIS 4, JUVENILE. Identifiers: Orphanet 357043, MedGen C1865409, MONDO:0011223, OMIM 602433.
Spinocerebellar ataxia, autosomal recessive, with axonal neuropathy 2 (SCAN2). Also called: Ataxia-ocular apraxia-2; Ataxia with Oculomotor Apraxia; Ataxia with Oculomotor Apraxia Type 2; ATAXIA-OCULOMOTOR APRAXIA 2. Identifiers: Orphanet 64753, MedGen C1853761, MONDO:0018996, OMIM 606002.

gnomAD v4.1: 3 of 1,609,346 alleles (0.00019%); highest among the groups gnomAD compares: Middle Eastern, 0.017%; no homozygotes.

Submissions (2):

Labcorp Genetics (formerly Invitae), Labcorp
Classification: Uncertain significance for Amyotrophic lateral sclerosis type 4; Spinocerebellar ataxia, autosomal recessive, with axonal neuropathy 2. Last evaluated: 2025-03-01. Review status: criteria provided, single submitter. Criteria: Invitae Variant Classification Sherloc (09022015). Collection method: clinical testing. Allele origin: germline.
Comment: This sequence change replaces glutamic acid, which is acidic and polar, with glycine, which is neutral and non-polar, at codon 2607 of the SETX protein (p.Glu2607Gly). This variant is not present in population databases (gnomAD no frequency). This variant has not been reported in the literature in individuals affected with SETX-related conditions. ClinVar contains an entry for this variant (Variation ID: 444781). Invitae Evidence Modeling of protein sequence and biophysical properties (such as structural, functional, and spatial information, amino acid conservation, physicochemical variation, residue mobility, and thermodynamic stability) indicates that this missense variant is not expected to disrupt SETX protein function with a negative predictive value of 95%. In summary, the available evidence is currently insufficient to determine the role of this variant in disease. Therefore, it has been classified as a Variant of Uncertain Significance.

CeGaT Center for Human Genetics Tuebingen
Classification: Uncertain significance. Last evaluated: 2017-04-01. Review status: criteria provided, single submitter. Criteria: CeGaT Center For Human Genetics Tuebingen Variant Classification Criteria Version 2. Collection method: clinical testing. Allele origin: germline. Affected: yes. Observed: 1 variant allele.

NM_015046.7(SETX):c.7820A>G (p.Glu2607Gly)

Gene: SETX (senataxin; minus strand). Cytogenetic location: 9q34.13.
Variant type: single nucleotide variant.
Coding change: c.7820A>G on transcript NM_015046.7 (MANE Select); coding-DNA position 7820, A replaced by G.
Protein change: p.Glu2607Gly; replaces glutamic acid 2607 with glycine.
Molecular consequence: missense variant.
Genome position (GRCh38, 1-based): chr9:132,264,453, T>C on the plus strand (A>G on the coding strand, the complement: SETX is on the minus strand). VCF-style: chr9-132264453-T-C. GRCh37 (hg19) VCF-style: chr9-135139840-T-C.
Other names: c.7820A>G, p.Glu2607Gly (NM_001351527.2); c.7907A>G, p.Glu2636Gly (NM_001351528.2); short protein forms E2607G, E2636G.
Identifiers: ClinVar variation 444781 (VCV000444781.44), dbSNP rs1554801389, ClinGen allele CA375322550.